The following is an entry in ClinVar:

NM_001040142.2(SCN2A):c.4331A>G (p.Glu1444Gly)

Gene: SCN2A (sodium voltage-gated channel alpha subunit 2; plus strand). Cytogenetic location: 2q24.3.
Variant type: single nucleotide variant.
Coding change: c.4331A>G on transcript NM_001040142.2 (MANE Select); coding-DNA position 4331, A replaced by G.
Protein change: p.Glu1444Gly; replaces glutamic acid 1444 with glycine.
Molecular consequence: missense variant.
Genome position (GRCh38, 1-based): chr2:165,380,614, A>G. VCF-style: chr2-165380614-A-G. GRCh37 (hg19) VCF-style: chr2-166237124-A-G.
Other names: c.4331A>G, p.Glu1444Gly (NM_001040143.2, NM_001371246.1, NM_001371247.1 and 1 more transcripts); short protein forms E1444G.
Identifiers: ClinVar variation 4841228 (VCV004841228.2).
Genomic context (GRCh38, chr2:165,380,614, plus strand): 5'-TACTAGATATAATGGTTACAATTCTTCATATTCTTTAGGTAGAATTACAACCCAAGTATG[A>G]AGACAACCTGTACATGTATCTTTATTTTGTCATCTTTATTATTTTTGGTTCATTCTTTAC-3'
Protein context (NP_001035232.1, residues 1434-1454): SRNVELQPKY[Glu1444Gly]DNLYMYLYFV

ClinVar aggregate classification (germline): Uncertain significance (1 of 4 stars; one submission).

Conditions:
Inborn genetic diseases. Identifiers: MedGen C0950123, MeSH D030342.

Submission:

Ambry Genetics
Classification: Uncertain significance for Inborn genetic diseases. Last evaluated: 2026-03-18. Review status: criteria provided, single submitter. Criteria: Ambry Variant Classification Scheme 2023. Collection method: clinical testing. Allele origin: germline.
Comment: The c.4331A>G (p.E1444G) alteration is located in exon 24 (coding exon 23) of the SCN2A gene. This alteration results from a A to G substitution at nucleotide position 4331, causing the glutamic acid (E) at amino acid position 1444 to be replaced by a glycine (G). This variant was not reported in population-based cohorts in the Genome Aggregation Database (gnomAD). This amino acid position is highly conserved in available vertebrate species. This missense variant is located in a region that has a low rate of benign missense variation (Lek, 2016; Firth, 2009). This alteration is predicted to be deleterious by in silico analysis. Based on insufficient or conflicting evidence, the clinical significance of this alteration remains unclear.